The following is an entry in ClinVar:

ClinVar aggregate classification (germline): Uncertain significance (1 of 4 stars; one submission).

Conditions:
Familial cancer of breast. Also called: Hereditary breast cancer; BREAST CANCER, FAMILIAL; hereditary breast carcinoma. Identifiers: Orphanet 227535, MedGen C0346153, MONDO:0016419, OMIM 114480. Disease mechanism: loss of function.

Submission:

Labcorp Genetics (formerly Invitae), Labcorp
Classification: Uncertain significance for Familial cancer of breast. Last evaluated: 2019-11-13. Review status: criteria provided, single submitter. Criteria: Invitae Variant Classification Sherloc (09022015). Collection method: clinical testing. Allele origin: germline.
Comment: In summary, the available evidence is currently insufficient to determine the role of this variant in disease. Therefore, it has been classified as a Variant of Uncertain Significance. Algorithms developed to predict the effect of missense changes on protein structure and function are either unavailable or do not agree on the potential impact of this missense change (SIFT: "Tolerated"; PolyPhen-2: "Probably Damaging"; Align-GVGD: "Class C0"). This variant has not been reported in the literature in individuals with PALB2-related conditions. This variant is not present in population databases (ExAC no frequency). This sequence change replaces leucine with phenylalanine at codon 583 of the PALB2 protein (p.Leu583Phe). The leucine residue is moderately conserved and there is a small physicochemical difference between leucine and phenylalanine.

NM_024675.4(PALB2):c.1749G>C (p.Leu583Phe)

Gene: PALB2 (partner and localizer of BRCA2; minus strand). Cytogenetic location: 16p12.2.
Variant type: single nucleotide variant.
Coding change: c.1749G>C on transcript NM_024675.4 (MANE Select); coding-DNA position 1749, G replaced by C.
Protein change: p.Leu583Phe; replaces leucine 583 with phenylalanine.
Molecular consequence: missense variant.
Genome position (GRCh38, 1-based): chr16:23,630,405, C>G on the plus strand (G>C on the coding strand, the complement: PALB2 is on the minus strand). VCF-style: chr16-23630405-C-G. GRCh37 (hg19) VCF-style: chr16-23641726-C-G.
Other names: short protein forms L583F.
Identifiers: ClinVar variation 967597 (VCV000967597.10), dbSNP rs1966866916, ClinGen allele CA395128266.